The following is an entry in ClinVar:

ClinVar aggregate classification (germline): Benign. Review status: criteria provided, multiple submitters, no conflicts (2 of 4 stars). 5 submissions from 5 submitters: Benign (5). Last evaluated 2026-02-04.

Conditions:
Primary ciliary dyskinesia. Also called: Ciliary dyskinesia. Identifiers: Orphanet 244, MedGen C0008780, MONDO:0016575, HP:0012265.

Allele frequency attached by ClinVar (database versions not stated): 1000 Genomes Project 0.08526; 1000 Genomes Project 30x 0.08854; ESP Exome Variant Server 0.12244; TOPMed 0.12299.
gnomAD v4.1: 214,487 of 1,550,288 alleles (14%); highest among the groups gnomAD compares: Admixed American, 25%; 16,848 homozygotes.

Submissions (5):

Labcorp Genetics (formerly Invitae), Labcorp
Classification: Benign for Primary ciliary dyskinesia. Last evaluated: 2026-02-04. Review status: criteria provided, single submitter. Criteria: Invitae Variant Classification Sherloc (09022015). Collection method: clinical testing. Allele origin: germline.

Blueprint Genetics
Classification: Benign. Last evaluated: 2024-11-26. Review status: criteria provided, single submitter. Criteria: ACMG Guidelines, 2015. Collection method: clinical testing. Allele origin: germline.

Mayo Clinic Laboratories, Mayo Clinic
Classification: Benign. Last evaluated: 2022-04-26. Review status: criteria provided, single submitter. Criteria: ACMG Guidelines, 2015. Collection method: clinical testing. Allele origin: germline. Observed: 67 variant alleles.

GeneDx
Classification: Benign. Last evaluated: 2018-11-10. Review status: criteria provided, single submitter. Criteria: GeneDx Variant Classification Process June 2021. Collection method: clinical testing. Allele origin: germline. Affected: yes.

Laboratory for Molecular Medicine, Mass General Brigham Personalized Medicine
Classification: Benign. Last evaluated: 2016-03-28. Review status: criteria provided, single submitter. Criteria: LMM Criteria. Collection method: clinical testing. Allele origin: germline.
Comment: Variant identified in a genome or exome case(s) and assessed due to predicted null impact of the variant or pathogenic assertions in the literature or databases. Disclaimer: This variant has not undergone full assessment. The following are preliminary notes: Frequency

NM_001206927.2(DNAH8):c.1975G>A (p.Ala659Thr)

Gene: DNAH8 (dynein axonemal heavy chain 8; plus strand). Cytogenetic location: 6p21.2.
Variant type: single nucleotide variant.
Coding change: c.1975G>A on transcript NM_001206927.2 (MANE Select); coding-DNA position 1975, G replaced by A.
Protein change: p.Ala659Thr; replaces alanine 659 with threonine.
Molecular consequence: missense variant.
Genome position (GRCh38, 1-based): chr6:38,778,400, G>A. VCF-style: chr6-38778400-G-A. GRCh37 (hg19) VCF-style: chr6-38746176-G-A.
Other names: c.1324G>A, p.Ala442Thr (NM_001371.4); short protein forms A659T, A442T.
Identifiers: ClinVar variation 402761 (VCV000402761.18), dbSNP rs61748601, ClinGen allele CA3788374.